The following is an entry in ClinVar:

NM_002788.4(PSMA3):c.213T>G (p.Asp71Glu)

Gene: PSMA3 (proteasome 20S subunit alpha 3; plus strand). Cytogenetic location: 14q23.1.
Variant type: single nucleotide variant.
Coding change: c.213T>G on transcript NM_002788.4 (MANE Select); coding-DNA position 213, T replaced by G.
Protein change: p.Asp71Glu; replaces aspartic acid 71 with glutamic acid.
Molecular consequence: missense variant. On other transcripts: non-coding transcript variant (1).
Genome position (GRCh38, 1-based): chr14:58,252,227, T>G. VCF-style: chr14-58252227-T-G. GRCh37 (hg19) VCF-style: chr14-58718945-T-G.
Other names: c.213T>G, p.Asp71Glu (NM_152132.3); short protein forms D71E.
Identifiers: ClinVar variation 2749543 (VCV002749543.3), dbSNP rs2502941169, ClinGen allele CA389847764.

ClinVar aggregate classification (germline): Uncertain significance (1 of 4 stars; one submission).

Submission:

Labcorp Genetics (formerly Invitae), Labcorp
Classification: Uncertain significance. Last evaluated: 2023-08-02. Review status: criteria provided, single submitter. Criteria: Invitae Variant Classification Sherloc (09022015). Collection method: clinical testing. Allele origin: germline.
Comment: This sequence change replaces aspartic acid, which is acidic and polar, with glutamic acid, which is acidic and polar, at codon 71 of the PSMA3 protein (p.Asp71Glu). This variant is not present in population databases (gnomAD no frequency). This variant has not been reported in the literature in individuals affected with PSMA3-related conditions. An algorithm developed to predict the effect of missense changes on protein structure and function (PolyPhen-2) suggests that this variant is likely to be tolerated. In summary, the available evidence is currently insufficient to determine the role of this variant in disease. Therefore, it has been classified as a Variant of Uncertain Significance.